The following is an entry in ClinVar:

NM_001040716.2(PC):c.3234T>C (p.Phe1078=)

Gene: PC (pyruvate carboxylase; minus strand). Cytogenetic location: 11q13.2.
Variant type: single nucleotide variant.
Coding change: c.3234T>C on transcript NM_001040716.2 (MANE Select); coding-DNA position 3234, T replaced by C.
Protein change: p.Phe1078=; no amino-acid change (phenylalanine 1078 retained).
Molecular consequence: synonymous variant.
Genome position (GRCh38, 1-based): chr11:66,849,284, A>G on the plus strand (T>C on the coding strand, the complement: PC is on the minus strand). VCF-style: chr11-66849284-A-G. GRCh37 (hg19) VCF-style: chr11-66616755-A-G.
Other names: c.3234T>C, p.Phe1078= (NM_000920.4, NM_022172.3); c.3234T>C (NM_001040716.1).
Identifiers: ClinVar variation 1164364 (VCV001164364.33), dbSNP rs531640812, ClinGen allele CA6130853.
Genomic context (GRCh38, chr11:66,849,284, plus strand): 5'-CAATACCTTCATGGCCTGGGTGTCCTTGACCAAGATGGACCGCAGCTGCCCATTGAGCTC[A>G]AAGAAGACCTGCCTCTGGCCGGCCCGGTTCAGGTCGCTCACGGCCAGGGCTTTGATGTGC-3'
Protein context (NP_001035806.1, residues 1068-1088): LNRAGQRQVF[Phe1078=]ELNGQLRSIL

ClinVar aggregate classification (germline): Benign/Likely benign. Review status: criteria provided, multiple submitters, no conflicts (2 of 4 stars). 4 submissions from 4 submitters: Benign (1); Likely benign (3). Last evaluated 2026-08-05.

Conditions:
Pyruvate carboxylase deficiency. Also called: Pyruvate Carboxylase Deficiency Disease; ATAXIA WITH LACTIC ACIDOSIS II; LEIGH NECROTIZING ENCEPHALOPATHY DUE TO PYRUVATE CARBOXYLASE DEFICIENCY; LEIGH SYNDROME DUE TO PYRUVATE CARBOXYLASE DEFICIENCY; PC DEFICIENCY. Identifiers: Orphanet 3008, MedGen C0034341, MONDO:0009949, OMIM 266150.
PC-related disorder. Also called: PC-related condition.

Allele frequency attached by ClinVar (database versions not stated): TOPMed below 0.00001; gnomAD 0.00001 and 0.00003; gnomAD exomes 0.00003 and 0.00006; ExAC 0.00008; 1000 Genomes Project 30x 0.00031; 1000 Genomes Project 0.00040.
gnomAD v4.1: 47 of 1,613,612 alleles (0.0029%); highest among the groups gnomAD compares: Middle Eastern, 0.033%; 1 homozygote.

Submissions (4):

PreventionGenetics, part of Exact Sciences
Classification: Likely benign for PC-related condition. Last evaluated: 2026-08-05. Review status: criteria provided, single submitter. Criteria: ACMG Guidelines, 2015. Collection method: clinical testing. Allele origin: germline.
Comment: This variant is classified as likely benign based on ACMG/AMP sequence variant interpretation guidelines (Richards et al. 2015 PMID: 25741868, with internal and published modifications).

Labcorp Genetics (formerly Invitae), Labcorp
Classification: Benign for Pyruvate carboxylase deficiency. Last evaluated: 2026-01-27. Review status: criteria provided, single submitter. Criteria: Invitae Variant Classification Sherloc (09022015). Collection method: clinical testing. Allele origin: germline.

CeGaT Center for Human Genetics Tuebingen
Classification: Likely benign. Last evaluated: 2023-12-01. Review status: criteria provided, single submitter. Criteria: CeGaT Center For Human Genetics Tuebingen Variant Classification Criteria Version 2. Collection method: clinical testing. Allele origin: germline. Affected: yes. Observed: 1 variant allele.
Comment: PC: BP4, BP7

Blueprint Genetics
Classification: Likely benign. Last evaluated: 2022-06-30. Review status: criteria provided, single submitter. Criteria: ACMG Guidelines, 2015. Collection method: clinical testing. Allele origin: germline.